The following is an entry in ClinVar:

NM_001370100.5(ZMYND11):c.1080del (p.Arg361fs)

Gene: ZMYND11 (zinc finger MYND-type containing 11; plus strand). Cytogenetic location: 10p15.3.
Variant type: Deletion.
Coding change: c.1080del on transcript NM_001370100.5 (MANE Select); coding-DNA position 1080, one base deleted (G; older notation c.1080delG).
Protein change: p.Arg361fs; shifts the reading frame from arginine 361.
Molecular consequence: frameshift variant. On other transcripts: non-coding transcript variant (1).
Genome position (GRCh38, 1-based): chr10:246,895, G deleted; the last of 3 consecutive G bases (chr10:246,893-246,895); deleting any one gives the same sequence. VCF-style (leftmost placement, unchanged base first): chr10-246892-AG-A. GRCh37 (hg19) VCF-style: chr10-292832-AG-A.
Other names: c.1080delG, p.Arg361Aspfs (NM_001161482.1); c.918del, p.Arg307fs (NM_001202464.3, NM_001202467.1, NM_001370103.2 and 6 more transcripts); c.825del, p.Arg276fs (NM_001202465.3, NM_001370110.2); c.915del, p.Arg306fs (NM_001202466.3, NM_001370111.2); c.1080del, p.Arg361fs (NM_001202468.1, NM_001370097.3, NM_001370098.2 and 5 more transcripts); c.1029del, p.Arg344fs (NM_001330057.3, NM_001370112.2); c.987del, p.Arg330fs (NM_001370113.2, NM_001370114.2); c.1077del, p.Arg360fs (NM_001370115.2, NM_212479.4); and 8 more; short protein forms R204fs, R259fs, R307fs, R321fs, R330fs, R267fs, R285fs, R276fs.
Identifiers: ClinVar variation 2025242 (VCV002025242.4), dbSNP rs2540008595, ClinGen allele CA2580081291.

ClinVar aggregate classification (germline): Pathogenic (1 of 4 stars; one submission).

Submission:

Labcorp Genetics (formerly Invitae), Labcorp
Classification: Pathogenic. Last evaluated: 2022-08-20. Review status: criteria provided, single submitter. Criteria: Invitae Variant Classification Sherloc (09022015). Collection method: clinical testing. Allele origin: germline.
Comment: This sequence change creates a premature translational stop signal (p.Arg361Aspfs*27) in the ZMYND11 gene. It is expected to result in an absent or disrupted protein product. Loss-of-function variants in ZMYND11 are known to be pathogenic (PMID: 25217958). For these reasons, this variant has been classified as Pathogenic. This variant has not been reported in the literature in individuals affected with ZMYND11-related conditions. This variant is not present in population databases (gnomAD no frequency).

Literature cited by the submitters: PubMed 25217958.